The following is an entry in ClinVar:

ClinVar aggregate classification (germline): Uncertain significance (1 of 4 stars; one submission).

Submission:

GeneDx
Classification: Uncertain significance. Last evaluated: 2019-11-06. Review status: criteria provided, single submitter. Criteria: GeneDx Variant Classification Process June 2021. Collection method: clinical testing. Allele origin: germline. Affected: yes.
Comment: Not observed in large population cohorts (Lek et al., 2016); In silico analysis, which includes protein predictors and evolutionary conservation, supports a deleterious effect; This variant is associated with the following publications: (PMID: 23955599, 30553776)

NM_005445.4(SMC3):c.1982G>C (p.Arg661Pro)

Gene: SMC3 (structural maintenance of chromosomes 3; plus strand). Cytogenetic location: 10q25.2.
Variant type: single nucleotide variant.
Coding change: c.1982G>C on transcript NM_005445.4 (MANE Select); coding-DNA position 1982, G replaced by C.
Protein change: p.Arg661Pro; replaces arginine 661 with proline.
Molecular consequence: missense variant.
Genome position (GRCh38, 1-based): chr10:110,596,416, G>C. VCF-style: chr10-110596416-G-C. GRCh37 (hg19) VCF-style: chr10-112356174-G-C.
Other names: short protein forms R661P.
Identifiers: ClinVar variation 1310284 (VCV001310284.2), dbSNP rs2134745274, ClinGen allele CA378391665.